The following is an entry in ClinVar:

NM_001024630.4(RUNX2):c.59-2A>G

Gene: RUNX2 (RUNX family transcription factor 2; plus strand). Cytogenetic location: 6p21.1.
Variant type: single nucleotide variant.
Coding change: c.59-2A>G on transcript NM_001024630.4 (MANE Select); the canonical splice acceptor site of the intron before coding-DNA position 59, A replaced by G.
Molecular consequence: splice acceptor variant. On other transcripts: synonymous variant (3).
Genome position (GRCh38, 1-based): chr6:45,422,591, A>G. VCF-style: chr6-45422591-A-G. GRCh37 (hg19) VCF-style: chr6-45390328-A-G.
Other names: c.15A>G, p.Val5= (NM_001278478.2, NM_001369405.1, NM_004348.3); c.59-2A>G (NM_001015051.4).
Identifiers: ClinVar variation 2729445 (VCV002729445.3), dbSNP rs2548581513, ClinGen allele CA363957542.
Genomic context (GRCh38, chr6:45,422,591, plus strand): 5'-CCTCCTCCCCCTCCCCCGGCCACTTCGCTAACTTGTGGCTGTTGTGATGCGTATTCCCGT[A>G]GATCCGAGCACCAGCCGGCGCTTCAGCCCCCCCTCCAGCAGCCTGCAGCCCGGCAAAATG-3'

ClinVar aggregate classification (germline): Likely pathogenic (1 of 4 stars; one submission).

Submission:

Labcorp Genetics (formerly Invitae), Labcorp
Classification: Likely pathogenic. Last evaluated: 2023-08-27. Review status: criteria provided, single submitter. Criteria: Invitae Variant Classification Sherloc (09022015). Collection method: clinical testing. Allele origin: germline.
Comment: In summary, the currently available evidence indicates that the variant is pathogenic, but additional data are needed to prove that conclusively. Therefore, this variant has been classified as Likely Pathogenic. Algorithms developed to predict the effect of sequence changes on RNA splicing suggest that this variant may disrupt the consensus splice site. This variant has not been reported in the literature in individuals affected with RUNX2-related conditions. This variant is not present in population databases (gnomAD no frequency). This sequence change affects an acceptor splice site in intron 2 of the RUNX2 gene. It is expected to disrupt RNA splicing. Variants that disrupt the donor or acceptor splice site typically lead to a loss of protein function (PMID: 16199547), and loss-of-function variants in RUNX2 are known to be pathogenic (PMID: 10521292, 11857736).

Literature cited by the submitters: PubMed 16199547; PubMed 10521292; PubMed 11857736.